The following is an entry in ClinVar:

ClinVar aggregate classification (germline): Pathogenic (0 of 4 stars; one submission).

Conditions:
Malignant tumor of breast. Also called: Malignant breast neoplasm; Cancer breast. Identifiers: MedGen C0006142, MONDO:0007254. Disease mechanism: loss of function.

Submission:

Department of Pathology and Laboratory Medicine, Sinai Health System
Classification: Pathogenic for Malignant tumor of breast. Review status: no assertion criteria provided. Collection method: clinical testing. Allele origin: unknown. Affected: yes. Study: The Canadian Open Genetics Repository (COGR).
Comment: The BRCA1 p.Asp1305Glufs*25 variant was not identified in the literature nor was it identified in dbSNP, ClinVar, LOVD 3.0, UMD-LSDB, Exome Aggregation Consortium (August 8th 2016) and Genome Aggregation Database (Feb 27, 2017). The c.3914dup variant is predicted to cause a frameshift, which alters the protein's amino acid sequence beginning at codon 1305 and leads to a premature stop codon at position 1329. This alteration is then predicted to result in a truncated or absent protein and loss of function. Loss of function variants of the BRCA1 gene are an established mechanism of disease in Hereditary Breast and Ovarian Cancer and is the type of variant expected to cause the disorder. In summary, based on the above information this variant meets our laboratoryâ€šÃ„Ã´s criteria to be classified as pathogenic.

NM_007294.4(BRCA1):c.3914dup (p.Asp1305fs)

Genes: BRCA1 (BRCA1 DNA repair associated; minus strand), LOC126862571 (BRD4-independent group 4 enhancer GRCh37_chr17:41243136-41244335; plus strand). Cytogenetic location: 17q21.31.
Variant type: Duplication.
Coding change: c.3914dup on transcript NM_007294.4 (MANE Select); coding-DNA position 3914, one base duplicated (A; older notation c.3914dupA).
Protein change: p.Asp1305fs; shifts the reading frame from aspartic acid 1305.
Molecular consequence: frameshift variant. On other transcripts: intron variant (135).
Genome position (GRCh38, 1-based): chr17:43,091,617, T duplicated on the plus strand (A on the coding strand, the reverse complement: BRCA1 is on the minus strand). VCF-style (leftmost placement, unchanged base first): chr17-43091616-G-GT. GRCh37 (hg19) VCF-style: chr17-41243633-G-GT.
Other names: c.3911dup, p.Asp1304fs (NM_001407634.1, NM_001407635.1, NM_001407636.1 and 22 more transcripts); c.3791dup, p.Asp1264fs (NM_001407679.1, NM_001407680.1, NM_001407681.1 and 19 more transcripts); c.3701dup, p.Asp1234fs (NM_001407571.1, NM_001407898.1, NM_001407899.1 and 9 more transcripts); c.3914dup, p.Asp1305fs (NM_001407581.1, NM_001407582.1, NM_001407583.1 and 30 more transcripts); c.3788dup, p.Asp1263fs (NM_001407685.1, NM_001407686.1, NM_001407687.1 and 11 more transcripts); c.3905dup, p.Asp1302fs (NM_001407646.1, NM_001407647.1); c.3773dup, p.Asp1258fs (NM_001407692.1, NM_001407694.1, NM_001407695.1 and 29 more transcripts); c.3836dup, p.Asp1279fs (NM_001407653.1, NM_001407654.1, NM_001407655.1 and 4 more transcripts); and 41 more; short protein forms D1258fs, D1305fs, D1178fs, D1237fs, D1263fs, D1009fs, D1193fs, D1235fs.
Identifiers: ClinVar variation 1049277 (VCV001049277.2), dbSNP rs2154277394, ClinGen allele CA2499224451.